The following is an entry in ClinVar:

NM_000417.3(IL2RA):c.610G>A (p.Glu204Lys)

Gene: IL2RA (interleukin 2 receptor subunit alpha; minus strand). Cytogenetic location: 10p15.1.
Variant type: single nucleotide variant.
Coding change: c.610G>A on transcript NM_000417.3 (MANE Select); coding-DNA position 610, G replaced by A.
Protein change: p.Glu204Lys; replaces glutamic acid 204 with lysine.
Molecular consequence: missense variant. On other transcripts: intron variant (1).
Genome position (GRCh38, 1-based): chr10:6,019,915, C>T on the plus strand (G>A on the coding strand, the complement: IL2RA is on the minus strand). VCF-style: chr10-6019915-C-T. GRCh37 (hg19) VCF-style: chr10-6061878-C-T.
Other names: c.610G>A (NM_000417.2); c.394G>A, p.Glu132Lys (NM_001308242.2); c.368-416G>A (NM_001308243.2); short protein forms E132K, E204K.
Identifiers: ClinVar variation 1446840 (VCV001446840.5), dbSNP rs370516220, ClinGen allele CA5397390.
Genomic context (GRCh38, chr10:6,019,915, plus strand): 5'-TGTCTTCTCCCGCACCTGTTGTTGTGACGAGGCAGGAAGTCTCACTCTCAGGACGGCCTT[C>T]GGGGCTTGCCTGAGGCTTCTCTTCACCTGGGGGAGAGAGTAAGTGATGCTGGTGGAGCTA-3'
Protein context (NP_000408.1, residues 194-214): PGEEKPQASP[Glu204Lys]GRPESETSCL

ClinVar aggregate classification (germline): Uncertain significance. Review status: criteria provided, multiple submitters, no conflicts (2 of 4 stars). 2 submissions from 2 submitters: Uncertain significance (2). Last evaluated 2025-08-23.

Conditions:
Immunodeficiency due to CD25 deficiency. Also called: IMMUNODEFICIENCY 41 WITH LYMPHOPROLIFERATION AND AUTOIMMUNITY; CD25 DEFICIENCY; IL2RA DEFICIENCY. Identifiers: Orphanet 169100, MedGen C1853392, MONDO:0011664, OMIM 606367.

Allele frequency attached by ClinVar (database versions not stated): gnomAD 0.00001; gnomAD exomes 0.00001 and 0.00002; TOPMed 0.00001; ExAC 0.00002; ESP Exome Variant Server 0.00008.
gnomAD v4.1: 15 of 1,614,006 alleles (0.00093%); highest among the groups gnomAD compares: South Asian, 0.0055%; no homozygotes.

Submissions (2):

Ambry Genetics
Classification: Uncertain significance. Last evaluated: 2025-08-23. Review status: criteria provided, single submitter. Criteria: Ambry Variant Classification Scheme 2023. Collection method: clinical testing. Allele origin: germline.

Labcorp Genetics (formerly Invitae), Labcorp
Classification: Uncertain significance for Immunodeficiency due to CD25 deficiency. Last evaluated: 2024-02-12. Review status: criteria provided, single submitter. Criteria: Invitae Variant Classification Sherloc (09022015). Collection method: clinical testing. Allele origin: germline.
Comment: This sequence change replaces glutamic acid, which is acidic and polar, with lysine, which is basic and polar, at codon 204 of the IL2RA protein (p.Glu204Lys). This variant is present in population databases (rs370516220, gnomAD 0.01%). This variant has not been reported in the literature in individuals affected with IL2RA-related conditions. ClinVar contains an entry for this variant (Variation ID: 1446840). Advanced modeling of protein sequence and biophysical properties (such as structural, functional, and spatial information, amino acid conservation, physicochemical variation, residue mobility, and thermodynamic stability) performed at Invitae indicates that this missense variant is not expected to disrupt IL2RA protein function with a negative predictive value of 80%. In summary, the available evidence is currently insufficient to determine the role of this variant in disease. Therefore, it has been classified as a Variant of Uncertain Significance.